The following is an entry in ClinVar:

ClinVar aggregate classification (germline): Uncertain significance (1 of 4 stars; one submission).

Conditions:
Cardiovascular phenotype. Identifiers: MedGen CN230736.

Submission:

Ambry Genetics
Classification: Uncertain significance for Cardiovascular phenotype. Last evaluated: 2024-02-22. Review status: criteria provided, single submitter. Criteria: Ambry Variant Classification Scheme 2023. Collection method: clinical testing. Allele origin: germline.
Comment: The p.V250L variant (also known as c.748G>C), located in coding exon 4 of the FLNC gene, results from a G to C substitution at nucleotide position 748. The valine at codon 250 is replaced by leucine, an amino acid with highly similar properties. This amino acid position is conserved. In addition, the in silico prediction for this alteration is inconclusive. Based on the available evidence, the clinical significance of this alteration remains unclear.

NM_001458.5(FLNC):c.748G>C (p.Val250Leu)

Gene: FLNC (filamin C; plus strand). Cytogenetic location: 7q32.1.
Variant type: single nucleotide variant.
Coding change: c.748G>C on transcript NM_001458.5 (MANE Select); coding-DNA position 748, G replaced by C.
Protein change: p.Val250Leu; replaces valine 250 with leucine.
Molecular consequence: missense variant.
Genome position (GRCh38, 1-based): chr7:128,837,446, G>C. VCF-style: chr7-128837446-G-C. GRCh37 (hg19) VCF-style: chr7-128477500-G-C.
Other names: c.748G>C, p.Val250Leu (NM_001127487.2); short protein forms V250L.
Identifiers: ClinVar variation 3221756 (VCV003221756.1), dbSNP rs1562991895, ClinGen allele CA369222141.